The following is an entry in ClinVar:

NM_001292063.2(OTOG):c.156-14C>G

Gene: OTOG (otogelin; plus strand). Cytogenetic location: 11p15.1.
Variant type: single nucleotide variant.
Coding change: c.156-14C>G on transcript NM_001292063.2 (MANE Select); 14 bases into the intron before coding-DNA position 156, C replaced by G.
Molecular consequence: intron variant. On other transcripts: missense variant (1).
Genome position (GRCh38, 1-based): chr11:17,548,138, C>G. VCF-style: chr11-17548138-C-G. GRCh37 (hg19) VCF-style: chr11-17569685-C-G.
Other names: c.178C>G, p.Arg60Gly (NM_001277269.2); short protein forms R60G.
Identifiers: ClinVar variation 3623831 (VCV003623831.2).

ClinVar aggregate classification (germline): Uncertain significance (1 of 4 stars; one submission).

gnomAD v4.1: 1 of 1,545,350 alleles (0.000065%); highest among the groups gnomAD compares: Non-Finnish European, 0.000087%; no homozygotes.

Submission:

Labcorp Genetics (formerly Invitae), Labcorp
Classification: Uncertain significance. Last evaluated: 2024-04-02. Review status: criteria provided, single submitter. Criteria: Invitae Variant Classification Sherloc (09022015). Collection method: clinical testing. Allele origin: germline.
Comment: This sequence change replaces arginine, which is basic and polar, with glycine, which is neutral and non-polar, at codon 60 of the OTOG protein (p.Arg60Gly). This variant is not present in population databases (gnomAD no frequency). This variant has not been reported in the literature in individuals affected with OTOG-related conditions. An algorithm developed to predict the effect of missense changes on protein structure and function (PolyPhen-2) suggests that this variant is likely to be tolerated. In summary, the available evidence is currently insufficient to determine the role of this variant in disease. Therefore, it has been classified as a Variant of Uncertain Significance.